The following is an entry in ClinVar:

NM_001845.6(COL4A1):c.3886G>A (p.Gly1296Ser)

Gene: COL4A1 (collagen type IV alpha 1 chain; minus strand). Cytogenetic location: 13q34.
Variant type: single nucleotide variant.
Coding change: c.3886G>A on transcript NM_001845.6 (MANE Select); coding-DNA position 3886, G replaced by A.
Protein change: p.Gly1296Ser; replaces glycine 1296 with serine.
Molecular consequence: missense variant.
Genome position (GRCh38, 1-based): chr13:110,167,221, C>T on the plus strand (G>A on the coding strand, the complement: COL4A1 is on the minus strand). VCF-style: chr13-110167221-C-T. GRCh37 (hg19) VCF-style: chr13-110819568-C-T.
Other names: short protein forms G1296S.
Identifiers: ClinVar variation 2122160 (VCV002122160.4), dbSNP rs2501752117, ClinGen allele CA388661393.

ClinVar aggregate classification (germline): Likely pathogenic (1 of 4 stars; one submission).

Submission:

Labcorp Genetics (formerly Invitae), Labcorp
Classification: Likely pathogenic. Last evaluated: 2023-07-06. Review status: criteria provided, single submitter. Criteria: Invitae Variant Classification Sherloc (09022015). Collection method: clinical testing. Allele origin: germline.
Comment: In summary, the currently available evidence indicates that the variant is pathogenic, but additional data are needed to prove that conclusively. Therefore, this variant has been classified as Likely Pathogenic. This variant disrupts the triple helix domain of COL4A1. Glycine residues within the Gly-Xaa-Yaa repeats of the triple helix domain are required for the structure and stability of fibrillar collagens (PMID: 7695699, 8218237, 19344236). In COL4A1 variants affecting these glycine residues are significantly enriched in individuals with disease (PMID: 9016532, 17078022) compared to the general population (ExAC). Algorithms developed to predict the effect of sequence changes on RNA splicing suggest that this variant may disrupt the consensus splice site. An algorithm developed to predict the effect of missense changes on protein structure and function (PolyPhen-2) suggests that this variant is likely to be disruptive. ClinVar contains an entry for this variant (Variation ID: 2122160). This variant has not been reported in the literature in individuals affected with COL4A1-related conditions. This variant is not present in population databases (gnomAD no frequency). This sequence change replaces glycine, which is neutral and non-polar, with serine, which is neutral and polar, at codon 1296 of the COL4A1 protein (p.Gly1296Ser).

Literature cited by the submitters: PubMed 7695699; PubMed 8218237; PubMed 19344236; PubMed 9016532; PubMed 17078022.